The following is an entry in ClinVar:

ClinVar aggregate classification (germline): Likely benign (1 of 4 stars; one submission).

gnomAD v4.1: 24 of 1,562,790 alleles (0.0015%); highest among the groups gnomAD compares: Non-Finnish European, 0.0018%; no homozygotes.

Submission:

CeGaT Center for Human Genetics Tuebingen
Classification: Likely benign. Last evaluated: 2024-08-01. Review status: criteria provided, single submitter. Criteria: CeGaT Center For Human Genetics Tuebingen Variant Classification Criteria Version 2. Collection method: clinical testing. Allele origin: germline. Affected: yes. Observed: 1 variant allele.
Comment: SETD1A: BP4, BP7

NM_014712.3(SETD1A):c.2151G>A (p.Pro717=)

Gene: SETD1A (SET domain containing 1A, histone lysine methyltransferase; plus strand). Cytogenetic location: 16p11.2.
Variant type: single nucleotide variant.
Coding change: c.2151G>A on transcript NM_014712.3 (MANE Select); coding-DNA position 2151, G replaced by A.
Protein change: p.Pro717=; no amino-acid change (proline 717 retained).
Molecular consequence: synonymous variant.
Genome position (GRCh38, 1-based): chr16:30,966,032, G>A. VCF-style: chr16-30966032-G-A. GRCh37 (hg19) VCF-style: chr16-30977353-G-A.
Identifiers: ClinVar variation 3341867 (VCV003341867.16).